The following is an entry in ClinVar:

ClinVar aggregate classification (germline): Uncertain significance (1 of 4 stars; one submission).

Submission:

Labcorp Genetics (formerly Invitae), Labcorp
Classification: Uncertain significance. Last evaluated: 2022-01-06. Review status: criteria provided, single submitter. Criteria: Invitae Variant Classification Sherloc (09022015). Collection method: clinical testing. Allele origin: germline.
Comment: ClinVar contains an entry for this variant (Variation ID: 1052106). In summary, the available evidence is currently insufficient to determine the role of this variant in disease. Therefore, it has been classified as a Variant of Uncertain Significance. Algorithms developed to predict the effect of missense changes on protein structure and function are either unavailable or do not agree on the potential impact of this missense change (SIFT: "Tolerated"; PolyPhen-2: "Probably Damaging"; Align-GVGD: "Class C0"). This missense change has been observed in individuals with retinitis pigmentosa (PMID: 27596865; Invitae). This variant is not present in population databases (gnomAD no frequency). This sequence change replaces arginine, which is basic and polar, with proline, which is neutral and non-polar, at codon 235 of the PDE6B protein (p.Arg235Pro).

Literature cited by the submitters: PubMed 27596865.

NM_000283.4(PDE6B):c.704G>C (p.Arg235Pro)

Gene: PDE6B (phosphodiesterase 6B; plus strand). Cytogenetic location: 4p16.3.
Variant type: single nucleotide variant.
Coding change: c.704G>C on transcript NM_000283.4 (MANE Select); coding-DNA position 704, G replaced by C.
Protein change: p.Arg235Pro; replaces arginine 235 with proline.
Molecular consequence: missense variant.
Genome position (GRCh38, 1-based): chr4:635,962, G>C. VCF-style: chr4-635962-G-C. GRCh37 (hg19) VCF-style: chr4-629751-G-C.
Other names: c.704G>C, p.Arg235Pro (NM_001145291.2); short protein forms R235P.
Identifiers: ClinVar variation 1052106 (VCV001052106.9), dbSNP rs757918699, ClinGen allele CA355909119.
Genomic context (GRCh38, chr4:635,962, plus strand): 5'-TTGCCACGTTGTACCTGAAGATCTATCACCTGAGCTACCTCCACAACTGCGAGACGCGCC[G>C]CGGCCAGGTACCCACACGCTGAGCACAGCTCTGCCCACGAGGGCCAGGGTCCCTCCGCCC-3'
Protein context (NP_000274.3, residues 225-245): LSYLHNCETR[Arg235Pro]GQVLLWSANK